The following is an entry in ClinVar:

ClinVar aggregate classification (germline): Uncertain significance (1 of 4 stars; one submission).

Conditions:
Familial adenomatous polyposis 1 (FAP1). Also called: POLYPOSIS, ADENOMATOUS INTESTINAL; FAMILIAL ADENOMATOUS POLYPOSIS 1, ATTENUATED. Identifiers: MedGen C2713442, MONDO:0021056, OMIM 175100. Disease mechanism: loss of function.

Submission:

Labcorp Genetics (formerly Invitae), Labcorp
Classification: Uncertain significance for Familial adenomatous polyposis 1. Last evaluated: 2019-03-06. Review status: criteria provided, single submitter. Criteria: Invitae Variant Classification Sherloc (09022015). Collection method: clinical testing. Allele origin: germline.
Comment: This variant has not been reported in the literature in individuals with APC-related conditions. Algorithms developed to predict the effect of missense changes on protein structure and function (SIFT, PolyPhen-2, Align-GVGD) all suggest that this variant is likely to be tolerated, but these predictions have not been confirmed by published functional studies and their clinical significance is uncertain. In summary, the available evidence is currently insufficient to determine the role of this variant in disease. Therefore, it has been classified as a Variant of Uncertain Significance. This variant is not present in population databases (ExAC no frequency). This sequence change replaces valine with leucine at codon 2278 of the APC protein (p.Val2278Leu). The valine residue is moderately conserved and there is a small physicochemical difference between valine and leucine.

NM_000038.6(APC):c.6832G>T (p.Val2278Leu)

Gene: APC (APC regulator of Wnt signaling pathway; plus strand). Cytogenetic location: 5q22.2.
Variant type: single nucleotide variant.
Coding change: c.6832G>T on transcript NM_000038.6 (MANE Select); coding-DNA position 6832, G replaced by T.
Protein change: p.Val2278Leu; replaces valine 2278 with leucine.
Molecular consequence: missense variant.
Genome position (GRCh38, 1-based): chr5:112,842,426, G>T. VCF-style: chr5-112842426-G-T. GRCh37 (hg19) VCF-style: chr5-112178123-G-T.
Other names: c.6832G>T, p.Val2278Leu (NM_001127510.3, NM_001354895.2); c.6778G>T, p.Val2260Leu (NM_001127511.3); c.6886G>T, p.Val2296Leu (NM_001354896.2); c.6862G>T, p.Val2288Leu (NM_001354897.2); c.6757G>T, p.Val2253Leu (NM_001354898.2); c.6748G>T, p.Val2250Leu (NM_001354899.2); c.6709G>T, p.Val2237Leu (NM_001354900.2); c.6655G>T, p.Val2219Leu (NM_001354901.2); and 5 more; short protein forms V2278L, V2288L, V1995L, V2237L, V2250L, V2253L, V2260L, V2296L.
Identifiers: ClinVar variation 852691 (VCV000852691.11), dbSNP rs1561610531, ClinGen allele CA16036246.